The following is an entry in ClinVar:

ClinVar aggregate classification (germline): Likely benign. Review status: criteria provided, multiple submitters, no conflicts (2 of 4 stars). 2 submissions from 2 submitters: Likely benign (2). Last evaluated 2025-07-30.

Allele frequency attached by ClinVar (database versions not stated): ESP Exome Variant Server 0.00008; gnomAD 0.00008 and 0.00009; TOPMed 0.00008.
gnomAD v4.1: 21 of 1,608,230 alleles (0.0013%); highest among the groups gnomAD compares: African/African-American, 0.026%; no homozygotes.

Submissions (2):

Labcorp Genetics (formerly Invitae), Labcorp
Classification: Likely benign. Last evaluated: 2025-07-30. Review status: criteria provided, single submitter. Criteria: Invitae Variant Classification Sherloc (09022015). Collection method: clinical testing. Allele origin: germline.

CeGaT Center for Human Genetics Tuebingen
Classification: Likely benign. Last evaluated: 2025-03-01. Review status: criteria provided, single submitter. Criteria: CeGaT Center For Human Genetics Tuebingen Variant Classification Criteria Version 2. Collection method: clinical testing. Allele origin: germline. Affected: yes. Observed: 1 variant allele.
Comment: PPP2CA: BP4, BP7

NM_002715.4(PPP2CA):c.15G>C (p.Val5=)

Genes: MIR3661 (microRNA 3661; plus strand), PPP2CA (protein phosphatase 2 catalytic subunit alpha; minus strand). Cytogenetic location: 5q31.1.
Variant type: single nucleotide variant.
Coding change: c.15G>C on transcript NM_002715.4 (MANE Select); coding-DNA position 15, G replaced by C.
Protein change: p.Val5=; no amino-acid change (valine 5 retained).
Molecular consequence: synonymous variant. On other transcripts: non-coding transcript variant (1).
Genome position (GRCh38, 1-based): chr5:134,225,847, C>G on the plus strand (G>C on the coding strand, the complement: PPP2CA is on the minus strand). VCF-style: chr5-134225847-C-G. GRCh37 (hg19) VCF-style: chr5-133561538-C-G.
Identifiers: ClinVar variation 1657413 (VCV001657413.15), dbSNP rs369455155, ClinGen allele CA3412920.